The following is an entry in ClinVar:

NM_000268.4(NF2):c.1189C>G (p.Leu397Val)

Gene: NF2 (NF2, moesin-ezrin-radixin like (MERLIN) tumor suppressor; plus strand). Cytogenetic location: 22q12.2.
Variant type: single nucleotide variant.
Coding change: c.1189C>G on transcript NM_000268.4 (MANE Select); coding-DNA position 1189, C replaced by G.
Protein change: p.Leu397Val; replaces leucine 397 with valine.
Molecular consequence: missense variant. On other transcripts: non-coding transcript variant (1), intron variant (1).
Genome position (GRCh38, 1-based): chr22:29,673,335, C>G. VCF-style: chr22-29673335-C-G. GRCh37 (hg19) VCF-style: chr22-30069324-C-G.
Other names: c.1075C>G, p.Leu359Val (NM_001407053.1, NM_001407056.1); c.1066C>G, p.Leu356Val (NM_001407054.1, NM_001407058.1, NM_181829.3); c.1063C>G, p.Leu355Val (NM_001407055.1, NM_181828.3); c.1054C>G, p.Leu352Val (NM_001407057.1, NM_001407059.1); c.1189C>G, p.Leu397Val (NM_001407060.1, NM_001407066.1, NM_016418.5 and 2 more transcripts); c.931C>G, p.Leu311Val (NM_001407062.1); c.940C>G, p.Leu314Val (NM_001407063.1, NM_001407064.1, NM_181830.3 and 1 more transcripts); c.655C>G, p.Leu219Val (NM_001407065.1); and 2 more; short protein forms L219V, L314V, L320V, L352V, L355V, L311V, L356V, L359V.
Identifiers: ClinVar variation 2040434 (VCV002040434.5), dbSNP rs1324529447, ClinGen allele CA411148107.

ClinVar aggregate classification (germline): Uncertain significance. Review status: criteria provided, multiple submitters, no conflicts (2 of 4 stars). 2 submissions from 2 submitters: Uncertain significance (2). Last evaluated 2025-03-25.

Conditions:
Hereditary cancer-predisposing syndrome. Also called: Neoplastic Syndromes, Hereditary; Tumor predisposition; Hereditary Cancer Syndrome; Hereditary neoplastic syndrome. Identifiers: Orphanet 140162, MedGen C0027672, MeSH D009386, MONDO:0015356.
Neurofibromatosis, type 2 (SWNV). Also called: NF2-Related Schwannomatosis; BILATERAL ACOUSTIC NEUROFIBROMATOSIS; SCHWANNOMATOSIS, VESTIBULAR. Identifiers: Orphanet 637, MedGen C0027832, MONDO:0007039, OMIM 101000. Disease mechanism: loss of function.

Allele frequency attached by ClinVar (database versions not stated): TOPMed below 0.00001; gnomAD 0.00001.
gnomAD v4.1: 1 of 1,602,672 alleles (0.000062%); highest among the groups gnomAD compares: Non-Finnish European, 0.000085%; no homozygotes.

Submissions (2):

Ambry Genetics
Classification: Uncertain significance for Hereditary cancer-predisposing syndrome. Last evaluated: 2025-03-25. Review status: criteria provided, single submitter. Criteria: Ambry Variant Classification Scheme 2023. Collection method: clinical testing. Allele origin: germline.
Comment: The p.L397V variant (also known as c.1189C>G), located in coding exon 12 of the NF2 gene, results from a C to G substitution at nucleotide position 1189. The leucine at codon 397 is replaced by valine, an amino acid with highly similar properties. This amino acid position is conserved. In addition, the in silico prediction for this alteration is inconclusive. Based on the available evidence, the clinical significance of this variant remains unclear.

Labcorp Genetics (formerly Invitae), Labcorp
Classification: Uncertain significance for Neurofibromatosis, type 2. Last evaluated: 2022-07-29. Review status: criteria provided, single submitter. Criteria: Invitae Variant Classification Sherloc (09022015). Collection method: clinical testing. Allele origin: germline.
Comment: In summary, the available evidence is currently insufficient to determine the role of this variant in disease. Therefore, it has been classified as a Variant of Uncertain Significance. This sequence change replaces leucine, which is neutral and non-polar, with valine, which is neutral and non-polar, at codon 397 of the NF2 protein (p.Leu397Val). This variant is not present in population databases (gnomAD no frequency). This variant has not been reported in the literature in individuals affected with NF2-related conditions. Algorithms developed to predict the effect of missense changes on protein structure and function are either unavailable or do not agree on the potential impact of this missense change (SIFT: "Deleterious"; PolyPhen-2: "Probably Damaging"; Align-GVGD: "Class C0").